The following is an entry in ClinVar:

NM_000289.6(PFKM):c.21dup (p.Ala8fs)

Gene: PFKM (phosphofructokinase, muscle; plus strand). Cytogenetic location: 12q13.11.
Variant type: Duplication.
Coding change: c.21dup on transcript NM_000289.6 (MANE Select); coding-DNA position 21, one base duplicated (T; older notation c.21dupT).
Protein change: p.Ala8fs; shifts the reading frame from alanine 8.
Molecular consequence: frameshift variant. On other transcripts: 5 prime UTR variant (3), non-coding transcript variant (6).
Genome position (GRCh38, 1-based): chr12:48,122,795, T duplicated. VCF-style (leftmost placement, unchanged base first): chr12-48122794-A-AT. GRCh37 (hg19) VCF-style: chr12-48516577-A-AT.
Other names: c.234dup, p.Ala79fs (NM_001166686.2, NM_001354737.1, NM_001354738.1 and 1 more transcripts); c.21dup, p.Ala8fs (NM_001166687.2, NM_001166688.2, NM_001354742.2 and 4 more transcripts); c.330dup, p.Ala111fs (NM_001354735.1, NM_001354736.1); c.165dup, p.Ala56fs (NM_001354740.1); c.45dup, p.Ala16fs (NM_001354741.2); c.-305dup (NM_001354745.2); c.-56dup (NM_001354747.2, NM_001354748.2); short protein forms A16fs, A8fs, A56fs, A79fs, A111fs.
Identifiers: ClinVar variation 2004770 (VCV002004770.4), dbSNP rs2540764901, ClinGen allele CA2580085472.

ClinVar aggregate classification (germline): Pathogenic (1 of 4 stars; one submission).

Conditions:
Glycogen storage disease, type VII (GSD7). Also called: MUSCLE PHOSPHOFRUCTOKINASE DEFICIENCY; PFKM DEFICIENCY; TARUI DISEASE; GSD VII. Identifiers: Orphanet 371, MedGen C0017926, MONDO:0009295, OMIM 232800.

Submission:

Labcorp Genetics (formerly Invitae), Labcorp
Classification: Pathogenic for Glycogen storage disease, type VII. Last evaluated: 2022-06-11. Review status: criteria provided, single submitter. Criteria: Invitae Variant Classification Sherloc (09022015). Collection method: clinical testing. Allele origin: germline.
Comment: This sequence change creates a premature translational stop signal (p.Ala8Cysfs*46) in the PFKM gene. It is expected to result in an absent or disrupted protein product. Loss-of-function variants in PFKM are known to be pathogenic (PMID: 7825568, 8037209). This variant is not present in population databases (gnomAD no frequency). This variant has not been reported in the literature in individuals affected with PFKM-related conditions. For these reasons, this variant has been classified as Pathogenic.

Literature cited by the submitters: PubMed 7825568; PubMed 8037209.